The following is an entry in ClinVar:

NM_001127222.2(CACNA1A):c.7301A>G (p.Tyr2434Cys)

Gene: CACNA1A (calcium voltage-gated channel subunit alpha1 A; minus strand). Cytogenetic location: 19p13.13.
Variant type: single nucleotide variant.
Coding change: c.7301A>G on transcript NM_001127222.2 (MANE Select); coding-DNA position 7301, A replaced by G.
Protein change: p.Tyr2434Cys; replaces tyrosine 2434 with cysteine.
Molecular consequence: missense variant. On other transcripts: 3 prime UTR variant (3).
Genome position (GRCh38, 1-based): chr19:13,207,533, T>C on the plus strand (A>G on the coding strand, the complement: CACNA1A is on the minus strand). VCF-style: chr19-13207533-T-C. GRCh37 (hg19) VCF-style: chr19-13318347-T-C.
Other names: c.*513A>G (NM_001174080.2, NM_000068.4, NM_001127221.2); c.7319A>G, p.Tyr2440Cys (NM_023035.3); short protein forms Y2434C, Y2440C.
Identifiers: ClinVar variation 3026066 (VCV003026066.22), dbSNP rs2512505763, ClinGen allele CA404327309.

ClinVar aggregate classification (germline): Uncertain significance (1 of 4 stars; one submission).

Allele frequency attached by ClinVar (database versions not stated): gnomAD exomes below 0.00001.

Submission:

CeGaT Center for Human Genetics Tuebingen
Classification: Uncertain significance. Last evaluated: 2024-02-01. Review status: criteria provided, single submitter. Criteria: CeGaT Center For Human Genetics Tuebingen Variant Classification Criteria Version 2. Collection method: clinical testing. Allele origin: germline. Affected: yes. Observed: 1 variant allele.
Comment: CACNA1A: PM2, PP3